The following is an entry in ClinVar:

ClinVar aggregate classification (germline): Conflicting classifications of pathogenicity. Review status: criteria provided, conflicting classifications (1 of 4 stars). 7 submissions from 7 submitters: Uncertain significance (6); Likely benign (1). Last evaluated 2026-04-16.

Conditions:
Hereditary cancer-predisposing syndrome. Also called: Tumor predisposition; Hereditary neoplastic syndrome; Neoplastic Syndromes, Hereditary; Hereditary Cancer Syndrome. Identifiers: Orphanet 140162, MedGen C0027672, MeSH D009386, MONDO:0015356.
BAP1-related tumor predisposition syndrome (TPDS1). Also called: Tumor susceptibility linked to germline BAP1 mutations; COMMON Syndrome; TUMOR PREDISPOSITION SYNDROME 1; BAP1 tumor predisposition syndrome. Identifiers: Orphanet 289539, MedGen C3280492, MONDO:0013692, OMIM 614327.
Melanoma, uveal, susceptibility to, 2 (UVM2). Also called: Melanoma, uveal 2. Identifiers: Orphanet 39044, MedGen C1847723, MONDO:0011696, OMIM 606661.
Kury-Isidor syndrome (KURIS). Identifiers: MedGen C5676925, MONDO:0859230, OMIM 619762.

Allele frequency attached by ClinVar (database versions not stated): TOPMed 0.00003; ExAC 0.00001; gnomAD exomes 0.00002 and 0.00005; gnomAD 0.00004.

Submissions (7):

Ambry Genetics
Classification: Uncertain significance for Hereditary cancer-predisposing syndrome. Last evaluated: 2026-04-16. Review status: criteria provided, single submitter. Criteria: Ambry Variant Classification Scheme 2023. Collection method: clinical testing. Allele origin: germline.
Comment: The p.E306K variant (also known as c.916G>A), located in coding exon 10 of the BAP1 gene, results from a G to A substitution at nucleotide position 916. The glutamic acid at codon 306 is replaced by lysine, an amino acid with similar properties. This alteration was identified in 1/183 unselected patients with BAP1-related disease (Zauderer MG et al. J Thorac Oncol, 2019 11;14:1989-1994). This alteration was functional in a high throughput genome editing haploid cell survival functional assay (Waters AJ et al. Nat Genet, 2024 Jul;56:1434-1445). This amino acid position is well conserved in available vertebrate species. In addition, this alteration is predicted to be tolerated by in silico analysis. Based on the available evidence, the clinical significance of this variant remains unclear.

Labcorp Genetics (formerly Invitae), Labcorp
Classification: Uncertain significance for BAP1-related tumor predisposition syndrome. Last evaluated: 2026-01-31. Review status: criteria provided, single submitter. Criteria: Invitae Variant Classification Sherloc (09022015). Collection method: clinical testing. Allele origin: germline.
Comment: This sequence change replaces glutamic acid, which is acidic and polar, with lysine, which is basic and polar, at codon 306 of the BAP1 protein (p.Glu306Lys). This variant is present in population databases (rs779566198, gnomAD 0.008%). This missense change has been observed in individual(s) with mesothelioma (PMID: 31323388). ClinVar contains an entry for this variant (Variation ID: 472717). Invitae Evidence Modeling of protein sequence and biophysical properties (such as structural, functional, and spatial information, amino acid conservation, physicochemical variation, residue mobility, and thermodynamic stability) indicates that this missense variant is not expected to disrupt BAP1 protein function with a negative predictive value of 80%. In summary, the available evidence is currently insufficient to determine the role of this variant in disease. Therefore, it has been classified as a Variant of Uncertain Significance.

Quest Diagnostics Nichols Institute San Juan Capistrano
Classification: Uncertain significance. Last evaluated: 2025-02-13. Review status: criteria provided, single submitter. Criteria: Quest Diagnostics criteria. Collection method: clinical testing. Allele origin: unknown.
Comment: The BAP1 c.916G>A (p.Glu306Lys) variant has been reported in the published literature in an individual affected with a BAP1-related disease including mesothelioma, uveal melanoma, and choroidal nevus (PMID: 31323388 (2019)). The frequency of this variant in the general population (Genome Aggregation Database) is uninformative in the assessment of its pathogenicity. Analysis of this variant using bioinformatics tools for the prediction of the effect of amino acid changes on protein structure and function yielded predictions that this variant is benign. Based on the available information, we are unable to determine the clinical significance of this variant.

Color Diagnostics, LLC DBA Color Health
Classification: Uncertain significance for Hereditary cancer-predisposing syndrome. Last evaluated: 2025-01-21. Review status: criteria provided, single submitter. Criteria: ACMG Guidelines, 2015. Collection method: clinical testing. Allele origin: germline.
Comment: This missense variant replaces glutamic acid with lysine at codon 306 of the BAP1 protein. Computational prediction suggests that this variant may not impact protein structure and function. To our knowledge, functional studies have not been performed for this variant. This variant has been reported in an individual affected with BAP1-related disease (PMID: 31323388). This variant has been identified in 5/282544 chromosomes in the general population by the Genome Aggregation Database (gnomAD). The available evidence is insufficient to determine the role of this variant in disease conclusively. Therefore, this variant is classified as a Variant of Uncertain Significance.

Myriad Genetics, Inc.
Classification: Likely benign for BAP1-related tumor predisposition syndrome. Last evaluated: 2024-07-15. Review status: criteria provided, single submitter. Criteria: Myriad Autosomal Dominant, Autosomal Recessive and X-Linked Classification Criteria (2023). Collection method: clinical testing. Allele origin: unknown.
Comment: This variant is considered likely benign. This variant has been observed at a population frequency that is significantly greater than expected given the associated disease prevalence and penetrance.

Baylor Genetics
Classification: Uncertain significance for BAP1-related tumor predisposition syndrome. Last evaluated: 2024-03-14. Review status: criteria provided, single submitter. Criteria: ACMG Guidelines, 2015. Collection method: clinical testing. Allele origin: unknown.

Fulgent Genetics
Classification: Uncertain significance for Melanoma, uveal, susceptibility to, 2; BAP1-related tumor predisposition syndrome; Kury-Isidor syndrome. Last evaluated: 2024-03-05. Review status: criteria provided, single submitter. Criteria: ACMG Guidelines, 2015. Collection method: clinical testing. Allele origin: germline.

Literature cited by the submitters: PubMed 31323388 (cited by 4 submitters); PubMed 38969833 (cited by Ambry Genetics); PubMed 35637285 (cited by Quest Diagnostics Nichols Institute San Juan Capistrano); PubMed 27640074 (cited by Quest Diagnostics Nichols Institute San Juan Capistrano).

NM_004656.4(BAP1):c.916G>A (p.Glu306Lys)

Gene: BAP1 (BRCA1 associated deubiquitinase 1; minus strand). Cytogenetic location: 3p21.1.
Variant type: single nucleotide variant.
Coding change: c.916G>A on transcript NM_004656.4 (MANE Select); coding-DNA position 916, G replaced by A.
Protein change: p.Glu306Lys; replaces glutamic acid 306 with lysine.
Molecular consequence: missense variant.
Genome position (GRCh38, 1-based): chr3:52,405,780, C>T on the plus strand (G>A on the coding strand, the complement: BAP1 is on the minus strand). VCF-style: chr3-52405780-C-T. GRCh37 (hg19) VCF-style: chr3-52439796-C-T.
Other names: c.916G>A (LRG_529t1); short protein forms E306K.
Identifiers: ClinVar variation 472717 (VCV000472717.25), dbSNP rs779566198, ClinGen allele CA2436973.